The following is an entry in ClinVar:

ClinVar aggregate classification (germline): Uncertain significance (1 of 4 stars; one submission).

Allele frequency attached by ClinVar (database versions not stated): ExAC 0.00002.

Submission:

Labcorp Genetics (formerly Invitae), Labcorp
Classification: Uncertain significance. Last evaluated: 2023-05-24. Review status: criteria provided, single submitter. Criteria: Invitae Variant Classification Sherloc (09022015). Collection method: clinical testing. Allele origin: germline.
Comment: In summary, the available evidence is currently insufficient to determine the role of this variant in disease. Therefore, it has been classified as a Variant of Uncertain Significance. An algorithm developed to predict the effect of missense changes on protein structure and function (PolyPhen-2) suggests that this variant is likely to be disruptive. This variant has not been reported in the literature in individuals affected with ICOSLG-related conditions. This variant is present in population databases (rs767656796, gnomAD 0.01%). This sequence change replaces valine, which is neutral and non-polar, with phenylalanine, which is neutral and non-polar, at codon 143 of the ICOSLG protein (p.Val143Phe).

NM_015259.6(ICOSLG):c.427G>T (p.Val143Phe)

Gene: ICOSLG (inducible T cell costimulator ligand; minus strand). Cytogenetic location: 21q22.3.
Variant type: single nucleotide variant.
Coding change: c.427G>T on transcript NM_015259.6 (MANE Select); coding-DNA position 427, G replaced by T.
Protein change: p.Val143Phe; replaces valine 143 with phenylalanine.
Molecular consequence: missense variant.
Genome position (GRCh38, 1-based): chr21:44,235,542, C>A on the plus strand (G>T on the coding strand, the complement: ICOSLG is on the minus strand). VCF-style: chr21-44235542-C-A. GRCh37 (hg19) VCF-style: chr21-45655425-C-A.
Other names: c.172G>T, p.Val58Phe (NM_001283052.2); c.346G>T, p.Val116Phe (NM_001365759.2); c.427G>T, p.Val143Phe (NM_001395918.1, NM_001283050.2); c.76G>T, p.Val26Phe (NM_001283051.2); short protein forms V116F, V58F, V143F, V26F.
Identifiers: ClinVar variation 2865872 (VCV002865872.3), dbSNP rs767656796, ClinGen allele CA321497335.
Genomic context (GRCh38, chr21:44,235,542, plus strand): 5'-CGTTTATGGATGTACACGTGAAGGTGAGCTCATCCTGGGAGGGGCTGTGGGGGGCGCTGA[C>A]GACGGGCACGCTGAAGTTTGCTGCAGGGGAGGGAAACAGATTGTGAGAGATGCCAGACCC-3'
Protein context (NP_056074.1, residues 133-153): HVAANFSVPV[Val143Phe]SAPHSPSQDE